The following is an entry in ClinVar:

NM_207346.3(TSEN54):c.846_856del (p.Ala284fs)

Gene: TSEN54 (tRNA splicing endonuclease subunit 54; plus strand). Cytogenetic location: 17q25.1.
Variant type: Deletion.
Coding change: c.846_856del on transcript NM_207346.3 (MANE Select); coding-DNA positions 846 to 856, 11 bases deleted (CAGAGCCGAGA).
Protein change: p.Ala284fs; shifts the reading frame from alanine 284.
Molecular consequence: frameshift variant.
Genome position (GRCh38, 1-based): chr17:75,521,927-75,521,937, CAGAGCCGAGA deleted. VCF-style (leftmost placement, unchanged base first): chr17-75521926-GCAGAGCCGAGA-G. GRCh37 (hg19) VCF-style: chr17-73518007-GCAGAGCCGAGA-G.
Other names: short protein forms A284fs.
Identifiers: ClinVar variation 2843217 (VCV002843217.4), dbSNP rs1016467909, ClinGen allele CA294079094.
Genomic context (GRCh38, chr17:75,521,926, plus strand): 5'-GGTCCCTGGGCCCCAGCCCTGGCCCGGCCAGGGAGGGGGTGGGGTGCAGCTGGGAGAGTG[GCAGAGCCGAGA>G]ACGGAGTCACGGGAGCCGGTAAGCGGCGCTGGAACTTCGAGCAGATCTCCTTCCCCAACA-3'

ClinVar aggregate classification (germline): Pathogenic/Likely pathogenic. Review status: criteria provided, multiple submitters, no conflicts (2 of 4 stars). 2 submissions from 2 submitters: Pathogenic (1); Likely pathogenic (1). Last evaluated 2024-05-02.

Conditions:
Pontocerebellar hypoplasia type 4 (PCH4). Also called: Pontocerebellar Hypoplasia Type 4 (PCH4). Identifiers: Orphanet 166063, MedGen C1856974, MONDO:0009166, OMIM 225753.
Pontocerebellar hypoplasia type 2A (PCH2A). Also called: PONTOCEREBELLAR HYPOPLASIA WITH PROGRESSIVE CEREBRAL ATROPHY; VOLENDAM NEURODEGENERATIVE DISEASE. Identifiers: Orphanet 2524, MedGen C1848526, MONDO:0010190, OMIM 277470.
Pontocerebellar hypoplasia type 5 (PCH5). Also called: Pontocerebellar Hypoplasia Type 5 (PCH5). Identifiers: Orphanet 166068, MedGen C1857762, MONDO:0012438, OMIM 610204.

Allele frequency attached by ClinVar (database versions not stated): gnomAD exomes below 0.00001; TOPMed 0.00003.

Submissions (2):

Fulgent Genetics
Classification: Likely pathogenic for Pontocerebellar hypoplasia type 4; Pontocerebellar hypoplasia type 2A; Pontocerebellar hypoplasia type 5. Last evaluated: 2024-05-02. Review status: criteria provided, single submitter. Criteria: ACMG Guidelines, 2015. Collection method: clinical testing. Allele origin: germline.

Labcorp Genetics (formerly Invitae), Labcorp
Classification: Pathogenic. Last evaluated: 2024-02-14. Review status: criteria provided, single submitter. Criteria: Invitae Variant Classification Sherloc (09022015). Collection method: clinical testing. Allele origin: germline.
Comment: This sequence change creates a premature translational stop signal (p.Ala284Serfs*6) in the TSEN54 gene. It is expected to result in an absent or disrupted protein product. Loss-of-function variants in TSEN54 are known to be pathogenic (PMID: 18711368, 20952379). This variant is not present in population databases (gnomAD no frequency). This variant has not been reported in the literature in individuals affected with TSEN54-related conditions. For these reasons, this variant has been classified as Pathogenic.

Literature cited by the submitters: PubMed 18711368 (cited by Labcorp Genetics (formerly Invitae), Labcorp); PubMed 20952379 (cited by Labcorp Genetics (formerly Invitae), Labcorp).